The following is an entry in ClinVar:

ClinVar aggregate classification (germline): Uncertain significance (1 of 4 stars; one submission).

Conditions:
Inborn genetic diseases. Identifiers: MedGen C0950123, MeSH D030342.

Submission:

Ambry Genetics
Classification: Uncertain significance for Inborn genetic diseases. Last evaluated: 2025-03-21. Review status: criteria provided, single submitter. Criteria: Ambry Variant Classification Scheme 2023. Collection method: clinical testing. Allele origin: germline.
Comment: The c.1118T>C (p.M373T) alteration is located in exon 1 (coding exon 1) of the POU3F3 gene. This alteration results from a T to C substitution at nucleotide position 1118, causing the methionine (M) at amino acid position 373 to be replaced by a threonine (T). This variant was not reported in population-based cohorts in the Genome Aggregation Database (gnomAD). This amino acid position is highly conserved in available vertebrate species. This missense alteration is located in a region that has a low rate of benign missense variation (Lek, 2016; Firth, 2009). The in silico prediction for this alteration is inconclusive. Based on insufficient or conflicting evidence, the clinical significance of this alteration remains unclear.

NM_006236.3(POU3F3):c.1118T>C (p.Met373Thr)

Gene: POU3F3 (POU class 3 homeobox 3; plus strand). Cytogenetic location: 2q12.1.
Variant type: single nucleotide variant.
Coding change: c.1118T>C on transcript NM_006236.3 (MANE Select); coding-DNA position 1118, T replaced by C.
Protein change: p.Met373Thr; replaces methionine 373 with threonine.
Molecular consequence: missense variant.
Genome position (GRCh38, 1-based): chr2:104,856,628, T>C. VCF-style: chr2-104856628-T-C. GRCh37 (hg19) VCF-style: chr2-105473086-T-C.
Other names: short protein forms M373T.
Identifiers: ClinVar variation 3782063 (VCV003782063.2).
Genomic context (GRCh38, chr2:104,856,628, plus strand): 5'-ACGTGTTCTCGCAGACCACCATCTGCCGCTTCGAGGCCCTGCAGCTGAGCTTCAAGAACA[T>C]GTGCAAGCTCAAGCCGCTGCTGAACAAGTGGCTGGAGGAGGCGGACTCAAGCACCGGCAG-3'
Protein context (NP_006227.1, residues 363-383): FEALQLSFKN[Met373Thr]CKLKPLLNKW